The following is an entry in ClinVar:

NM_004984.4(KIF5A):c.1829A>T (p.Asn610Ile)

Gene: KIF5A (kinesin family member 5A; plus strand). Cytogenetic location: 12q13.3.
Variant type: single nucleotide variant.
Coding change: c.1829A>T on transcript NM_004984.4 (MANE Select); coding-DNA position 1829, A replaced by T.
Protein change: p.Asn610Ile; replaces asparagine 610 with isoleucine.
Molecular consequence: missense variant.
Genome position (GRCh38, 1-based): chr12:57,575,196, A>T. VCF-style: chr12-57575196-A-T. GRCh37 (hg19) VCF-style: chr12-57968979-A-T.
Other names: c.1562A>T, p.Asn521Ile (NM_001354705.2); c.1829A>T (NM_004984.2); short protein forms N610I, N521I.
Identifiers: ClinVar variation 1426564 (VCV001426564.7), dbSNP rs978303061, ClinGen allele CA385509108.

ClinVar aggregate classification (germline): Uncertain significance. Review status: criteria provided, multiple submitters, no conflicts (2 of 4 stars). 2 submissions from 2 submitters: Uncertain significance (2). Last evaluated 2025-10-24.

Conditions:
Inborn genetic diseases. Identifiers: MedGen C0950123, MeSH D030342.
Spastic paraplegia. Identifiers: MedGen C0037772, HP:0001258.

gnomAD v4.1: 2 of 1,613,446 alleles (0.00012%); highest among the groups gnomAD compares: Admixed American, 0.0017%; no homozygotes.

Submissions (2):

Ambry Genetics
Classification: Uncertain significance for Inborn genetic diseases. Last evaluated: 2025-10-24. Review status: criteria provided, single submitter. Criteria: Ambry Variant Classification Scheme 2023. Collection method: clinical testing. Allele origin: germline.

Labcorp Genetics (formerly Invitae), Labcorp
Classification: Uncertain significance for Spastic paraplegia. Last evaluated: 2023-07-25. Review status: criteria provided, single submitter. Criteria: Invitae Variant Classification Sherloc (09022015). Collection method: clinical testing. Allele origin: germline.
Comment: In summary, the available evidence is currently insufficient to determine the role of this variant in disease. Therefore, it has been classified as a Variant of Uncertain Significance. Advanced modeling of protein sequence and biophysical properties (such as structural, functional, and spatial information, amino acid conservation, physicochemical variation, residue mobility, and thermodynamic stability) performed at Invitae indicates that this missense variant is not expected to disrupt KIF5A protein function. ClinVar contains an entry for this variant (Variation ID: 1426564). This variant has not been reported in the literature in individuals affected with KIF5A-related conditions. This variant is present in population databases (no rsID available, gnomAD 0.007%). This sequence change replaces asparagine, which is neutral and polar, with isoleucine, which is neutral and non-polar, at codon 610 of the KIF5A protein (p.Asn610Ile).